The following is an entry in ClinVar:

ClinVar aggregate classification (germline): Conflicting classifications of pathogenicity. Review status: criteria provided, conflicting classifications (1 of 4 stars). 21 submissions from 21 submitters: Pathogenic (1); Likely pathogenic (8); Likely pathogenic, low penetrance (1); Uncertain significance (9). 2 of the submissions do not count toward it. Last evaluated 2026-09-08.

Conditions:
BRCA2-related cancer predisposition. Identifiers: MedGen CN377758, MONDO:0700269.
BRCA2-related disorder. Also called: BRCA2-related condition; BRCA2-related disorders. Identifiers: MedGen CN239275.
Hereditary cancer-predisposing syndrome. Also called: Hereditary Cancer Syndrome; Tumor predisposition; Neoplastic Syndromes, Hereditary; Hereditary neoplastic syndrome. Identifiers: Orphanet 140162, MedGen C0027672, MeSH D009386, MONDO:0015356.
Hereditary breast ovarian cancer syndrome. Also called: Breast and ovarian cancer; BRCA1- and BRCA2-Associated Hereditary Breast and Ovarian Cancer; Hereditary breast and ovarian cancer; Hereditary breast and ovarian cancer syndrome (HBOC); Hereditary breast and ovarian cancer syndrome; Hereditary breast and/or ovarian cancer syndrome. Identifiers: Orphanet 145, MedGen C0677776, MeSH D061325, MONDO:0003582. Disease mechanism: loss of function.
Breast-ovarian cancer, familial, susceptibility to, 2 (BROVCA2). Also called: BRCA2 Hereditary Breast and Ovarian Cancer. Identifiers: Orphanet 145, MedGen C2675520, MONDO:0012933, OMIM 612555. Disease mechanism: loss of function.
Fanconi anemia complementation group D1. Also called: BRCA2-Related Fanconi Anemia. Identifiers: Orphanet 319462, MedGen C1838457, MONDO:0011584, OMIM 605724.
Familial cancer of breast. Also called: BREAST CANCER, FAMILIAL; hereditary breast carcinoma; Hereditary breast cancer. Identifiers: Orphanet 227535, MedGen C0346153, MONDO:0016419, OMIM 114480. Disease mechanism: loss of function.

Allele frequency attached by ClinVar (database versions not stated): gnomAD exomes 0.00001; TOPMed 0.00002; gnomAD 0.00001.
gnomAD v4.1: 64 of 1,613,762 alleles (0.004%); highest among the groups gnomAD compares: Middle Eastern, 0.016%; no homozygotes.

Submissions 1 to 6 of 21:

PreventionGenetics, part of Exact Sciences
Classification: Likely pathogenic for BRCA2-related condition. Last evaluated: 2026-09-08. Review status: criteria provided, single submitter. Criteria: ACMG Guidelines, 2015. Collection method: clinical testing. Allele origin: germline.
Comment: The BRCA2 c.8524C>T variant is predicted to result in the amino acid substitution p.Arg2842Cys. This variant has been reported in trans with a pathogenic variant in two siblings with atypical Fanconi anemia (FA; Rickman et al. 2020. PubMed ID: 32354836) and in the homozygous state in an individual with primary ovarian insufficiency and intermediate levels of chromosomal breakage but no other features of FA (Caburet et al. 2020. PubMed ID: 32482800). It has also been reported in individuals with breast cancer some of whom had reduced telomere length and controls who did not have cancer at the time of testing (Matusin et al. 2025. PubMed ID: 40531958; Dorling et al. 2021. PubMed ID: 33471991; Supplementary Table S3, Guindalini et al. 2022. PubMed ID: 35264596; Peker Eyüboğlu İ et al. 2019. PubMed ID: 31851867; Supplementary Table 5, Wen et al. 2018. PubMed ID: 28993434). This variant is reported in 0.0080% of alleles in individuals of European (Finnish) descent in gnomAD and has conflicting interpretations of uncertain significance, likely pathogenic, and pathogenic in ClinVar (Variation ID: 52610). Experimental studies demonstrate this variant leads to partial or intermediate effects on BRCA2 protein function (Guidugli et al. 2012. PubMed ID: 23108138; Guidugli et al. 2018. PubMed ID: 29394989; Mesman et al. 2019. PubMed ID: 29988080; Rickman et al. 2020. PubMed ID: 32354836; Caburet et al. 2020. PubMed ID: 32482800). This variant is interpreted as likely pathogenic, but likely results in a milder presentation of clinical features of Fanconi anemia and reduced cancer risk compared to other high risk BRCA2 variants.

CeGaT Center for Human Genetics Tuebingen
Classification: Uncertain significance. Last evaluated: 2026-04-01. Review status: criteria provided, single submitter. Criteria: CeGaT Center For Human Genetics Tuebingen Variant Classification Criteria Version 2. Collection method: clinical testing. Allele origin: germline. Affected: yes. Observed: 2 variant alleles.
Comment: BRCA2: PM2

Labcorp Genetics (formerly Invitae), Labcorp
Classification: Uncertain significance for Hereditary breast ovarian cancer syndrome. Last evaluated: 2025-11-05. Review status: criteria provided, single submitter. Criteria: Invitae Variant Classification Sherloc (09022015). Collection method: clinical testing. Allele origin: germline.
Comment: This sequence change replaces arginine, which is basic and polar, with cysteine, which is neutral and slightly polar, at codon 2842 of the BRCA2 protein (p.Arg2842Cys). This variant is present in population databases (rs80359104, gnomAD 0.008%). This missense change has been observed on the opposite chromosome (in trans) from pathogenic variants in families with features of Fanconi anemia, but without personal history of cancer (PMID: 32354836, external communication). However, this variant has also been reported to be homozygous in an individual affected with primary ovarian insufficiency, but without other Fanconi anemia features (PMID: 32482800). This variant is also known as c.8752C>T. ClinVar contains an entry for this variant (Variation ID: 52610). Invitae Evidence Modeling of protein sequence and biophysical properties (such as structural, functional, and spatial information, amino acid conservation, physicochemical variation, residue mobility, and thermodynamic stability) indicates that this missense variant is not expected to disrupt BRCA2 protein function with a negative predictive value of 95%. Experimental studies are conflicting or provide insufficient evidence to determine the effect of this variant on BRCA2 function (PMID: 23108138, 29988080, 32354836, 32482800). In summary, the available evidence is currently insufficient to determine the role of this variant in disease. Therefore, it has been classified as a Variant of Uncertain Significance.

Ambry Genetics
Classification: Likely pathogenic for Hereditary cancer-predisposing syndrome. Last evaluated: 2025-10-27. Review status: criteria provided, single submitter. Criteria: Ambry Variant Classification Scheme 2023. Collection method: clinical testing. Allele origin: germline.
Comment: The p.R2842C variant (also known as c.8524C>T), located in coding exon 19 of the BRCA2 gene, results from a C to T substitution at nucleotide position 8524. The arginine at codon 2842 is replaced by cysteine, an amino acid with highly dissimilar properties. In a study with breast cancer patients and healthy controls, this alteration was not detected in 2575 breast cancer patients but was detected in 1/2809 controls (Wen WX et al. J. Med. Genet. 2018 Feb;55(2):97-103). In another study, this variant was reported in 3/60,466 breast cancer cases and in 2/53,461 controls (Dorling et al. N Engl J Med. 2021 02;384:428-439). This alteration has been identified in two independent sets of siblings with Fanconi anemia, confirmed in trans with two different truncating BRCA2 variants, including one set described as having a milder presentation of this disease (Rickman KA et al. Genes Dev, 2020 06;34:832-846; external communication). A mouse embryonic stem cell survival assay and multiple homology-directed DNA repair (HDR) assays also demonstrated an intermediate functional effect for p.R2842C (Guidugli L et al. Cancer Res. 2013 Jan 1;73(1):265-75; Guidugli L et al. Am. J. Hum. Genet. 2018 02;102(2):233-248; Mesman RLS et al. Genet. Med. 2019 02;21:293-302). Of note, this alteration is also designated as 8752C>T in published literature. This amino acid position is highly conserved in available vertebrate species. In addition, this alteration is predicted to be deleterious by in silico analysis. Based on the majority of available evidence to date, this variant is likely to be pathogenic. However, because this variant is identified in one or more patients with Fanconi anemia as well as in a homozygous patient without Fanconi anemia, it is likely to be hypomorphic and thus, carriers of this variant and their families may present with reduced risks, and not with the typical clinical characteristics of a high-risk pathogenic BRCA2 alteration. As risk estimates are unknown at this time, clinical correlation is advised.

German Consortium for Hereditary Breast and Ovarian Cancer, University Hospital Cologne
Classification: Likely pathogenic, low penetrance for Hereditary breast ovarian cancer syndrome. Last evaluated: 2025-09-09. Review status: criteria provided, single submitter. Criteria: ClinGen BRCA2 V1.1.0. Collection method: curation. Allele origin: germline.
Comment: A. Quante: Homozygot in Patient ohne FA Phänotyp gefunden; This classification follows the ClinGen ENIGMA BRCA2 v1.1.0 classification scheme; We chose these criteria: PS3 (strong pathogenic): Huang et al., 2025: P strong, PP3 (supporting pathogenic): BayesDEL: 0.371621 and within BRCA2 DNA binding aa 2481-3186.

GeneDx
Classification: Likely pathogenic. Last evaluated: 2025-08-21. Review status: criteria provided, single submitter. Criteria: GeneDx Variant Classification Process June 2021. Collection method: clinical testing. Allele origin: germline. Affected: yes.
Comment: Observed in the heterozygous state in individuals with personal or family history of breast cancer, but also in healthy controls (PMID: 28993434, 31851867, 33471991, 35264596); In silico analysis suggests that this missense variant does not alter protein structure/function; Not observed at significant frequency in large population cohorts (gnomAD); Also known as 8752C>T; This variant is associated with the following publications: (PMID: 27378171, 28664449, 11309337, 28726806, 32042831, 23108138, 27194814, 27176796, 24323938, 11948123, 24123850, 29988080, 12228710, 10923033, 28993434, 19043619, 30455982, 32482800, 31851867, 32354836, 29884841, 33054725, 33807840, 33150793, 33977503, 32719484, 31825140, 35665744, 36106376, 36754117, Sflomos2023[article], 35264596, 36721989, 33471991, Bahsi2020[case report], 34326862, Baldo2024[article], 36099812, 29394989, 39271738, 40531958, 38811720, 39779848)

NM_000059.4(BRCA2):c.8524C>T (p.Arg2842Cys)

Gene: BRCA2 (BRCA2 DNA repair associated; plus strand). Cytogenetic location: 13q13.1.
Variant type: single nucleotide variant.
Coding change: c.8524C>T on transcript NM_000059.4 (MANE Select); coding-DNA position 8524, C replaced by T.
Protein change: p.Arg2842Cys; replaces arginine 2842 with cysteine.
Molecular consequence: missense variant.
Genome position (GRCh38, 1-based): chr13:32,370,992, C>T. VCF-style: chr13-32370992-C-T. GRCh37 (hg19) VCF-style: chr13-32945129-C-T.
Other names: p.R2842C:CGC>TGC; 8752C>T; short protein forms R2842C.
Identifiers: ClinVar variation 52610 (VCV000052610.60), dbSNP rs80359104, ClinGen allele CA025691.